The following is an entry in ClinVar:

ClinVar aggregate classification (germline): Uncertain significance (1 of 4 stars; one submission).

Submission:

GeneDx
Classification: Uncertain significance. Last evaluated: 2024-04-22. Review status: criteria provided, single submitter. Criteria: GeneDx Variant Classification Process June 2021. Collection method: clinical testing. Allele origin: germline. Affected: yes.
Comment: Not observed at significant frequency in large population cohorts (gnomAD); In silico analysis supports that this missense variant has a deleterious effect on protein structure/function; Has not been previously published as pathogenic or benign to our knowledge

NM_001173464.2(KIF21A):c.1313G>T (p.Arg438Ile)

Gene: KIF21A (kinesin family member 21A; minus strand). Cytogenetic location: 12q12.
Variant type: single nucleotide variant.
Coding change: c.1313G>T on transcript NM_001173464.2 (MANE Select); coding-DNA position 1313, G replaced by T.
Protein change: p.Arg438Ile; replaces arginine 438 with isoleucine.
Molecular consequence: missense variant.
Genome position (GRCh38, 1-based): chr12:39,357,340, C>A on the plus strand (G>T on the coding strand, the complement: KIF21A is on the minus strand). VCF-style: chr12-39357340-C-A. GRCh37 (hg19) VCF-style: chr12-39751142-C-A.
Other names: c.1313G>T, p.Arg438Ile (NM_001173463.2, NM_001173465.2, NM_001378439.1 and 3 more transcripts); short protein forms R438I.
Identifiers: ClinVar variation 3372928 (VCV003372928.1).